The following is an entry in ClinVar:

NM_014314.4(RIGI):c.526G>C (p.Glu176Gln)

Gene: RIGI (RNA sensor RIG-I; minus strand). Cytogenetic location: 9p21.1.
Variant type: single nucleotide variant.
Coding change: c.526G>C on transcript NM_014314.4 (MANE Select); coding-DNA position 526, G replaced by C.
Protein change: p.Glu176Gln; replaces glutamic acid 176 with glutamine.
Molecular consequence: missense variant. On other transcripts: intron variant (1).
Genome position (GRCh38, 1-based): chr9:32,492,436, C>G on the plus strand (G>C on the coding strand, the complement: RIGI is on the minus strand). VCF-style: chr9-32492436-C-G. GRCh37 (hg19) VCF-style: chr9-32492434-C-G.
Other names: c.526G>C, p.Glu176Gln (NM_001385907.1, NM_001385909.1); c.85G>C, p.Glu29Gln (NM_001385910.1, NM_001385914.1); c.511G>C, p.Glu171Gln (NM_001385913.1); c.-38-1016G>C (NM_001385912.1); short protein forms E171Q, E176Q, E29Q.
Identifiers: ClinVar variation 1939933 (VCV001939933.5), dbSNP rs763037151, ClinGen allele CA5020057.

ClinVar aggregate classification (germline): Uncertain significance (1 of 4 stars; one submission).

gnomAD v4.1: 14 of 1,614,164 alleles (0.00087%); highest among the groups gnomAD compares: Non-Finnish European, 0.0011%; no homozygotes.

Submission:

Labcorp Genetics (formerly Invitae), Labcorp
Classification: Uncertain significance. Last evaluated: 2022-10-10. Review status: criteria provided, single submitter. Criteria: Invitae Variant Classification Sherloc (09022015). Collection method: clinical testing. Allele origin: germline.
Comment: In summary, the available evidence is currently insufficient to determine the role of this variant in disease. Therefore, it has been classified as a Variant of Uncertain Significance. Algorithms developed to predict the effect of sequence changes on RNA splicing suggest that this variant may create or strengthen a splice site. Algorithms developed to predict the effect of missense changes on protein structure and function (SIFT, PolyPhen-2, Align-GVGD) all suggest that this variant is likely to be tolerated. This variant has not been reported in the literature in individuals affected with DDX58-related conditions. This variant is present in population databases (rs763037151, gnomAD 0.0008%). This sequence change replaces glutamic acid, which is acidic and polar, with glutamine, which is neutral and polar, at codon 176 of the DDX58 protein (p.Glu176Gln).